The following is an entry in ClinVar:

ClinVar aggregate classification (germline): Uncertain significance. Review status: criteria provided, multiple submitters, no conflicts (2 of 4 stars). 2 submissions from 2 submitters: Uncertain significance (2). Last evaluated 2025-06-10.

Conditions:
Hereditary cancer-predisposing syndrome. Also called: Neoplastic Syndromes, Hereditary; Tumor predisposition; Hereditary neoplastic syndrome; Hereditary Cancer Syndrome. Identifiers: Orphanet 140162, MedGen C0027672, MeSH D009386, MONDO:0015356.
Breast-ovarian cancer, familial, susceptibility to, 4. Identifiers: Orphanet 145, MedGen C3280345, MONDO:0013669, OMIM 614291.

Allele frequency attached by ClinVar (database versions not stated): gnomAD exomes below 0.00001.

Submissions (2):

Labcorp Genetics (formerly Invitae), Labcorp
Classification: Uncertain significance for Breast-ovarian cancer, familial, susceptibility to, 4. Last evaluated: 2025-06-10. Review status: criteria provided, single submitter. Criteria: Invitae Variant Classification Sherloc (09022015). Collection method: clinical testing. Allele origin: germline.
Comment: This sequence change replaces methionine, which is neutral and non-polar, with valine, which is neutral and non-polar, at codon 16 of the RAD51D protein (p.Met16Val). This variant is not present in population databases (gnomAD no frequency). This variant has not been reported in the literature in individuals affected with RAD51D-related conditions. ClinVar contains an entry for this variant (Variation ID: 1356302). An algorithm developed to predict the effect of missense changes on protein structure and function (PolyPhen-2) suggests that this variant is likely to be tolerated. In summary, the available evidence is currently insufficient to determine the role of this variant in disease. Therefore, it has been classified as a Variant of Uncertain Significance.

Ambry Genetics
Classification: Uncertain significance for Hereditary cancer-predisposing syndrome. Last evaluated: 2025-02-01. Review status: criteria provided, single submitter. Criteria: Ambry Variant Classification Scheme 2023. Collection method: clinical testing. Allele origin: germline.
Comment: The p.M16V variant (also known as c.46A>G), located in coding exon 1 of the RAD51D gene, results from an A to G substitution at nucleotide position 46. The methionine at codon 16 is replaced by valine, an amino acid with highly similar properties. This amino acid position is conserved. In addition, this alteration is predicted to be tolerated by in silico analysis. Since supporting evidence is limited at this time, the clinical significance of this alteration remains unclear.

NM_002878.4(RAD51D):c.46A>G (p.Met16Val)

Genes: RAD51D (RAD51 paralog D; minus strand), RAD51L3-RFFL (RAD51L3-RFFL readthrough; minus strand). Cytogenetic location: 17q12.
Variant type: single nucleotide variant.
Coding change: c.46A>G on transcript NM_002878.4 (MANE Select); coding-DNA position 46, A replaced by G.
Protein change: p.Met16Val; replaces methionine 16 with valine.
Molecular consequence: missense variant. On other transcripts: non-coding transcript variant (2).
Genome position (GRCh38, 1-based): chr17:35,119,568, T>C on the plus strand (A>G on the coding strand, the complement: RAD51D is on the minus strand). VCF-style: chr17-35119568-T-C. GRCh37 (hg19) VCF-style: chr17-33446587-T-C.
Other names: c.46A>G, p.Met16Val (NM_001142571.2, NM_133629.3); c.46A>G (NM_002878.3); short protein forms M16V.
Identifiers: ClinVar variation 1356302 (VCV001356302.10), dbSNP rs2142480504, ClinGen allele CA399092438.
Genomic context (GRCh38, chr17:35,119,568, plus strand): 5'-CCTGGCACGCGCACACCCGGTCACCTGTCTTGATCCTGTGGCTCCTGAGAAGCTGGATCA[T>C]CTCCTCGGTAAGGCCAGGGCACAGTCCGACCCTGAGCACGCCCATGTTCCCCGCAGGCCG-3'
Protein context (NP_002869.3, residues 6-26): VGLCPGLTEE[Met16Val]IQLLRSHRIK